The following is an entry in ClinVar:

ClinVar aggregate classification (germline): Benign. Review status: criteria provided, multiple submitters, no conflicts (2 of 4 stars). 8 submissions from 8 submitters: Benign (6). 2 of the submissions do not count toward it. Last evaluated 2025-12-17.

Conditions:
3M syndrome 1. Also called: 3-M Syndrome, CUL7-Related. Identifiers: Orphanet 2616, MedGen C2678312, MONDO:0010117, OMIM 273750.

Allele frequency attached by ClinVar (database versions not stated): gnomAD exomes 0.97107 and 0.97620; ExAC 0.97656; ESP Exome Variant Server 0.97686; TOPMed 0.97814; gnomAD 0.97891 and 0.97908; 1000 Genomes Project 30x 0.98985; 1000 Genomes Project 0.99022.

Submissions (8):

Labcorp Genetics (formerly Invitae), Labcorp
Classification: Benign. Last evaluated: 2025-12-17. Review status: criteria provided, single submitter. Criteria: Invitae Variant Classification Sherloc (09022015). Collection method: clinical testing. Allele origin: germline.

Blueprint Genetics
Classification: Benign. Last evaluated: 2024-11-27. Review status: criteria provided, single submitter. Criteria: ACMG Guidelines, 2015. Collection method: clinical testing. Allele origin: germline.

Genome-Nilou Lab
Classification: Benign for 3M syndrome 1. Last evaluated: 2021-07-30. Review status: criteria provided, single submitter. Criteria: ACMG Guidelines, 2015. Collection method: clinical testing. Allele origin: germline. Affected: no.

GeneDx
Classification: Benign. Last evaluated: 2018-11-10. Review status: criteria provided, single submitter. Criteria: GeneDx Variant Classification Process June 2021. Collection method: clinical testing. Allele origin: germline. Affected: yes.

Illumina Laboratory Services, Illumina
Classification: Benign for 3M syndrome 1. Last evaluated: 2018-01-12. Review status: criteria provided, single submitter. Criteria: ICSL Variant Classification Criteria 13 December 2019. Collection method: clinical testing. Allele origin: germline.
Comment: This variant was observed in the ICSL laboratory as part of a predisposition screen in an ostensibly healthy population. It had not been previously curated by ICSL or reported in the Human Gene Mutation Database (HGMD: prior to June 1st, 2018), and was therefore a candidate for classification through an automated scoring system. Utilizing variant allele frequency, disease prevalence and penetrance estimates, and inheritance mode, an automated score was calculated to assess if this variant is too frequent to cause the disease. Based on the score and internal cut-off values, a variant classified as benign is not then subjected to further curation. The score for this variant resulted in a classification of benign for this disease.

PreventionGenetics, part of Exact Sciences
Classification: Benign. Review status: criteria provided, single submitter. Criteria: ACMG Guidelines, 2015. Collection method: clinical testing. Allele origin: germline.

Diagnostic Laboratory, Department of Genetics, University Medical Center Groningen
Classification: Benign. Review status: no assertion criteria provided. Collection method: clinical testing. Allele origin: germline. Affected: yes. Study: VKGL Data-share Consensus. Not counted in ClinVar's aggregate classification.

Joint Genome Diagnostic Labs from Nijmegen and Maastricht, Radboudumc and MUMC+
Classification: Benign. Review status: no assertion criteria provided. Collection method: clinical testing. Allele origin: germline. Affected: yes. Study: VKGL Data-share Consensus. Not counted in ClinVar's aggregate classification.

NM_014780.5(CUL7):c.2438A>G (p.Gln813Arg)

Gene: CUL7 (cullin 7; minus strand). Cytogenetic location: 6p21.1.
Variant type: single nucleotide variant.
Coding change: c.2438A>G on transcript NM_014780.5 (MANE Select); coding-DNA position 2438, A replaced by G.
Protein change: p.Gln813Arg; replaces glutamine 813 with arginine.
Molecular consequence: missense variant.
Genome position (GRCh38, 1-based): chr6:43,046,561, T>C on the plus strand (A>G on the coding strand, the complement: CUL7 is on the minus strand). VCF-style: chr6-43046561-T-C. GRCh37 (hg19) VCF-style: chr6-43014299-T-C.
Other names: c.2534A>G, p.Gln845Arg (NM_001168370.2, NM_001374872.1); c.2438A>G, p.Gln813Arg (NM_001374873.1, NM_001374874.1); short protein forms Q813R, Q845R.
Identifiers: ClinVar variation 260436 (VCV000260436.17), dbSNP rs9381231, ClinGen allele CA3813850.